The following is an entry in ClinVar:

NM_000066.4(C8B):c.149_153del (p.Ser50fs)

Gene: C8B (complement C8 beta chain; minus strand). Cytogenetic location: 1p32.2.
Variant type: Deletion.
Coding change: c.149_153del on transcript NM_000066.4 (MANE Select); coding-DNA positions 149 to 153, 5 bases deleted (GCAGA; older notation c.149_153delGCAGA).
Protein change: p.Ser50fs; shifts the reading frame from serine 50.
Molecular consequence: frameshift variant. On other transcripts: 5 prime UTR variant (2).
Genome position (GRCh38, 1-based): chr1:56,960,116-56,960,120, TCTGC deleted on the plus strand (GCAGA on the coding strand, the reverse complement: C8B is on the minus strand); deleting any 5 consecutive bases within chr1:56,960,116-56,960,123 gives the same sequence; the c. name uses the placement nearest the transcript's 3' end. VCF-style (leftmost placement, unchanged base first): chr1-56960115-GTCTGC-G. GRCh37 (hg19) VCF-style: chr1-57425788-GTCTGC-G.
Other names: c.-8_-4del (NM_001278543.2); c.-167_-163del (NM_001278544.2); short protein forms S50fs.
Identifiers: ClinVar variation 3648337 (VCV003648337.2).

ClinVar aggregate classification (germline): Pathogenic (1 of 4 stars; one submission).

Submission:

Labcorp Genetics (formerly Invitae), Labcorp
Classification: Pathogenic. Last evaluated: 2025-05-27. Review status: criteria provided, single submitter. Criteria: Invitae Variant Classification Sherloc (09022015). Collection method: clinical testing. Allele origin: germline.
Comment: This sequence change creates a premature translational stop signal (p.Ser50Thrfs*13) in the C8B gene. It is expected to result in an absent or disrupted protein product. Loss-of-function variants in C8B are known to be pathogenic (PMID: 7594510). This variant is present in population databases (rs757499341, gnomAD 0.007%). This variant has not been reported in the literature in individuals affected with C8B-related conditions. ClinVar contains an entry for this variant (Variation ID: 3648337). For these reasons, this variant has been classified as Pathogenic.

Literature cited by the submitters: PubMed 7594510.